The following is an entry in ClinVar:

ClinVar aggregate classification (germline): Uncertain significance. Review status: criteria provided, single submitter (1 of 4 stars). 2 submissions from 2 submitters: Uncertain significance (1). 1 of the submissions does not count toward it. Last evaluated 2021-08-10.

Conditions:
Inborn genetic diseases. Identifiers: MedGen C0950123, MeSH D030342.
NPHP3-related disorder. Also called: NPHP3-related disorders; NPHP3-related condition. Identifiers: MedGen CN379163.

Allele frequency attached by ClinVar (database versions not stated): ExAC 0.00001; gnomAD 0.00001; gnomAD exomes 0.00002; TOPMed 0.00002; ESP Exome Variant Server 0.00008.
gnomAD v4.1: 30 of 1,611,378 alleles (0.0019%); highest among the groups gnomAD compares: Non-Finnish European, 0.0024%; no homozygotes.

Submissions (2):

Ambry Genetics
Classification: Uncertain significance for Inborn genetic diseases. Last evaluated: 2021-08-10. Review status: criteria provided, single submitter. Criteria: Ambry Variant Classification Scheme 2023. Collection method: clinical testing. Allele origin: germline.

PreventionGenetics, part of Exact Sciences
Classification: Uncertain significance for NPHP3-related condition. Last evaluated: 2024-09-25. Review status: no assertion criteria provided. Collection method: clinical testing. Allele origin: germline. Not counted in ClinVar's aggregate classification.
Comment: The NPHP3 c.538G>C variant is predicted to result in the amino acid substitution p.Glu180Gln. To our knowledge, this variant has not been reported in the literature. This variant is reported in 0.0018% of alleles in individuals of European (Non-Finnish) descent in gnomAD. At this time, the clinical significance of this variant is uncertain due to the absence of conclusive functional and genetic evidence.

NM_153240.5(NPHP3):c.538G>C (p.Glu180Gln)

Genes: NPHP3 (nephrocystin 3; minus strand), NPHP3-ACAD11 (NPHP3-ACAD11 readthrough (NMD candidate); minus strand). Cytogenetic location: 3q22.1.
Variant type: single nucleotide variant.
Coding change: c.538G>C on transcript NM_153240.5 (MANE Select); coding-DNA position 538, G replaced by C.
Protein change: p.Glu180Gln; replaces glutamic acid 180 with glutamine.
Molecular consequence: missense variant. On other transcripts: non-coding transcript variant (1).
Genome position (GRCh38, 1-based): chr3:132,719,126, C>G on the plus strand (G>C on the coding strand, the complement: NPHP3 is on the minus strand). VCF-style: chr3-132719126-C-G. GRCh37 (hg19) VCF-style: chr3-132437970-C-G.
Other names: short protein forms E180Q.
Identifiers: ClinVar variation 2222750 (VCV002222750.3), dbSNP rs150540012, ClinGen allele CA2622562.
Genomic context (GRCh38, chr3:132,719,126, plus strand): 5'-GCCTCTGAAGTTTGCTCTCCAACTCCCTCTTGGCCCTCAGTAAGTCCTGAATTTCATTTT[C>G]TTTGGTCTCCCTAAAAATCTTTAAAAAGAATAATTTTAATGTTGAAAGCTTTTTCATAAT-3'
Protein context (NP_694972.3, residues 170-190): RQFKIFRETK[Glu180Gln]NEIQDLLRAK